The following is an entry in ClinVar:

ClinVar aggregate classification (germline): Uncertain significance (1 of 4 stars; one submission).

Allele frequency attached by ClinVar (database versions not stated): gnomAD 0.00001; ExAC 0.00002; TOPMed 0.00003; ESP Exome Variant Server 0.00008.
gnomAD v4.1: 7 of 1,614,056 alleles (0.00043%); highest among the groups gnomAD compares: East Asian, 0.0089%; no homozygotes.

Submission:

Labcorp Genetics (formerly Invitae), Labcorp
Classification: Uncertain significance. Last evaluated: 2022-06-13. Review status: criteria provided, single submitter. Criteria: Invitae Variant Classification Sherloc (09022015). Collection method: clinical testing. Allele origin: germline.
Comment: This sequence change replaces isoleucine, which is neutral and non-polar, with threonine, which is neutral and polar, at codon 1313 of the PCDH15 protein (p.Ile1313Thr). This variant is present in population databases (rs147250420, gnomAD 0.007%). This variant has not been reported in the literature in individuals affected with PCDH15-related conditions. Algorithms developed to predict the effect of missense changes on protein structure and function are either unavailable or do not agree on the potential impact of this missense change (SIFT: "Deleterious"; PolyPhen-2: "Possibly Damaging"; Align-GVGD: "Class C0"). In summary, the available evidence is currently insufficient to determine the role of this variant in disease. Therefore, it has been classified as a Variant of Uncertain Significance.

NM_001384140.1(PCDH15):c.3938T>C (p.Ile1313Thr)

Gene: PCDH15 (protocadherin related 15; minus strand). Cytogenetic location: 10q21.1.
Variant type: single nucleotide variant.
Coding change: c.3938T>C on transcript NM_001384140.1 (MANE Select); coding-DNA position 3938, T replaced by C.
Protein change: p.Ile1313Thr; replaces isoleucine 1313 with threonine.
Molecular consequence: missense variant.
Genome position (GRCh38, 1-based): chr10:53,840,365, A>G on the plus strand (T>C on the coding strand, the complement: PCDH15 is on the minus strand). VCF-style: chr10-53840365-A-G. GRCh37 (hg19) VCF-style: chr10-55600125-A-G.
Other names: c.3953T>C, p.Ile1318Thr (NM_001142763.2, NM_001142771.2); c.3938T>C, p.Ile1313Thr (NM_001142764.2, NM_001142766.2, NM_001142770.3 and 4 more transcripts); c.3725T>C, p.Ile1242Thr (NM_001142765.2); c.3827T>C, p.Ile1276Thr (NM_001142767.2); c.3872T>C, p.Ile1291Thr (NM_001142768.2, NM_001142773.2, NM_001354404.2); c.3974T>C, p.Ile1325Thr (NM_001142769.4); c.3959T>C, p.Ile1320Thr (NM_001354411.2); short protein forms I1276T, I1313T, I1325T, I1242T, I1291T, I1318T, I1320T.
Identifiers: ClinVar variation 2076224 (VCV002076224.1), dbSNP rs147250420, ClinGen allele CA501063.